The following is an entry in ClinVar:

NM_001379500.1(COL18A1):c.1018G>A (p.Gly340Arg)

Gene: COL18A1 (collagen type XVIII alpha 1 chain; plus strand). Cytogenetic location: 21q22.3.
Variant type: single nucleotide variant.
Coding change: c.1018G>A on transcript NM_001379500.1 (MANE Select); coding-DNA position 1018, G replaced by A.
Protein change: p.Gly340Arg; replaces glycine 340 with arginine.
Molecular consequence: missense variant.
Genome position (GRCh38, 1-based): chr21:45,477,762, G>A. VCF-style: chr21-45477762-G-A. GRCh37 (hg19) VCF-style: chr21-46897676-G-A.
Other names: c.1558G>A, p.Gly520Arg (NM_030582.4); c.2263G>A, p.Gly755Arg (NM_130444.3); c.1558G>A (NM_030582.3); short protein forms G340R, G520R, G755R.
Identifiers: ClinVar variation 1564106 (VCV001564106.9), dbSNP rs775276656, ClinGen allele CA10066062.
Genomic context (GRCh38, chr21:45,477,762, plus strand): 5'-GTGTGGGGCCCCACCCCAGCCCGAGCCCTGTGTTCTGTTTATTCCCAGGGCGGCCTGAAG[G>A]GGCAGAAAGGGGAGCCAGGTGTTCCGGGCCCACCTGGCCGGGCAGGCCCCCCAGGATCCC-3'
Protein context (NP_001366429.1, residues 330-350): GGRVKEGGLK[Gly340Arg]QKGEPGVPGP

ClinVar aggregate classification (germline): Likely benign. Review status: criteria provided, multiple submitters, no conflicts (2 of 4 stars). 2 submissions from 2 submitters: Likely benign (2). Last evaluated 2025-10-19.

Conditions:
COL18A1-related disorder. Also called: COL18A1-related condition; COL18A1-related disorders.

Allele frequency attached by ClinVar (database versions not stated): gnomAD 0.00006 and 0.00007; gnomAD exomes 0.00006 and 0.00017; TOPMed 0.00008; ExAC 0.00079.
gnomAD v4.1: 97 of 1,540,974 alleles (0.0063%); highest among the groups gnomAD compares: Non-Finnish European, 0.0012%; no homozygotes.

Submissions (2):

PreventionGenetics, part of Exact Sciences
Classification: Likely benign for COL18A1-related condition. Last evaluated: 2025-10-19. Review status: criteria provided, single submitter. Criteria: ACMG Guidelines, 2015. Collection method: clinical testing. Allele origin: germline.
Comment: This variant is classified as likely benign based on ACMG/AMP sequence variant interpretation guidelines (Richards et al. 2015 PMID: 25741868, with internal and published modifications).

Labcorp Genetics (formerly Invitae), Labcorp
Classification: Likely benign. Last evaluated: 2025-02-03. Review status: criteria provided, single submitter. Criteria: Invitae Variant Classification Sherloc (09022015). Collection method: clinical testing. Allele origin: germline.